The following is an entry in ClinVar:

ClinVar aggregate classification (germline): Conflicting classifications of pathogenicity. Review status: criteria provided, conflicting classifications (1 of 4 stars). 2 submissions from 2 submitters: Uncertain significance (1); Likely benign (1). Last evaluated 2025-08-09.

Allele frequency attached by ClinVar (database versions not stated): gnomAD exomes 0.00016; ExAC 0.00059; gnomAD 0.00129; 1000 Genomes Project 0.00140; 1000 Genomes Project 30x 0.00156; ESP Exome Variant Server 0.00174; TOPMed 0.00180.
gnomAD v4.1: 443 of 1,603,468 alleles (0.028%); highest among the groups gnomAD compares: African/African-American, 0.49%; 10 homozygotes.

Submissions (2):

Ambry Genetics
Classification: Uncertain significance. Last evaluated: 2025-08-09. Review status: criteria provided, single submitter. Criteria: Ambry Variant Classification Scheme 2023. Collection method: clinical testing. Allele origin: germline.

CeGaT Center for Human Genetics Tuebingen
Classification: Likely benign. Last evaluated: 2023-03-01. Review status: criteria provided, single submitter. Criteria: CeGaT Center For Human Genetics Tuebingen Variant Classification Criteria Version 2. Collection method: clinical testing. Allele origin: germline. Affected: yes. Observed: 1 variant allele.
Comment: MUC5B: BP4, BS2

NM_002458.3(MUC5B):c.8783G>A (p.Arg2928Gln)

Genes: MUC5B (mucin 5B, oligomeric mucus/gel-forming; plus strand), MUC5B-AS1 (MUC5B antisense RNA 1; minus strand). Cytogenetic location: 11p15.5.
Variant type: single nucleotide variant.
Coding change: c.8783G>A on transcript NM_002458.3 (MANE Select); coding-DNA position 8783, G replaced by A.
Protein change: p.Arg2928Gln; replaces arginine 2928 with glutamine.
Molecular consequence: missense variant.
Genome position (GRCh38, 1-based): chr11:1,245,663, G>A. VCF-style: chr11-1245663-G-A. GRCh37 (hg19) VCF-style: chr11-1266893-G-A.
Other names: c.8783G>A (NM_002458.2); short protein forms R2928Q.
Identifiers: ClinVar variation 2641246 (VCV002641246.25), dbSNP rs377303931, ClinGen allele CA5806736.